The following is an entry in ClinVar:

NM_017514.5(PLXNA3):c.2919C>T (p.Ser973=)

Gene: PLXNA3 (plexin A3; plus strand). Cytogenetic location: Xq28.
Variant type: single nucleotide variant.
Coding change: c.2919C>T on transcript NM_017514.5 (MANE Select); coding-DNA position 2919, C replaced by T.
Protein change: p.Ser973=; no amino-acid change (serine 973 retained).
Molecular consequence: synonymous variant.
Genome position (GRCh38, 1-based): chrX:154,466,495, C>T. VCF-style: chrX-154466495-C-T. GRCh37 (hg19) VCF-style: chrX-153694838-C-T.
Other names: NC_000023.10:g.153694838C>T.
Identifiers: ClinVar variation 3357360 (VCV003357360.2).

ClinVar aggregate classification (germline): Uncertain significance (0 of 4 stars; one submission).

Conditions:
PLXNA3-related disorder. Also called: PLXNA3-related condition.

gnomAD v4.1: 24 of 1,206,623 alleles (0.002%); highest among the groups gnomAD compares: Admixed American, 0.0067%; no homozygotes.

Submissions (2):

PreventionGenetics, part of Exact Sciences
Classification: Uncertain significance for PLXNA3-related condition. Last evaluated: 2024-03-12. Review status: no assertion criteria provided. Collection method: clinical testing. Allele origin: germline.
Comment: The PLXNA3 c.2919C>T variant is not predicted to result in an amino acid change (p.=). This variant is predicted to alter splicing based on available splicing prediction programs (SpliceAI, Jaganathan et al. 2019. PubMed ID: 30661751). However, the use of computer prediction programs is not equivalent to functional evidence. To our knowledge, this variant has not been reported in the literature. This variant is reported in 0.012% of alleles in individuals of Latino descent in gnomAD, including one hemizygote. At this time, the clinical significance of this variant is uncertain due to the absence of conclusive functional and genetic evidence.

Dr. Peter K. Rogan Lab, Western University
No classification provided (evidence only). Condition: Thyroid cancer, nonmedullary, 1. Review status: no classification provided. Collection method: in vitro. Allele origin: not applicable. Functional consequence: retained intron. Not counted in ClinVar's aggregate classification.